The following is an entry in ClinVar:

ClinVar aggregate classification (germline): Uncertain significance. Review status: criteria provided, multiple submitters, no conflicts (2 of 4 stars). 2 submissions from 2 submitters: Uncertain significance (2). Last evaluated 2025-02-17.

Conditions:
Chromosome 2q32-q33 deletion syndrome (GLASS). Also called: Glass syndrome; 2q33.1 deletion syndrome. Identifiers: Orphanet 251019, MedGen C2676739, MONDO:0012864, OMIM 612313.

Submissions (2):

Labcorp Genetics (formerly Invitae), Labcorp
Classification: Uncertain significance for Chromosome 2q32-q33 deletion syndrome. Last evaluated: 2025-02-17. Review status: criteria provided, single submitter. Criteria: Invitae Variant Classification Sherloc (09022015). Collection method: clinical testing. Allele origin: germline.
Comment: This sequence change replaces serine, which is neutral and polar, with proline, which is neutral and non-polar, at codon 707 of the SATB2 protein (p.Ser707Pro). This variant is not present in population databases (gnomAD no frequency). This variant has not been reported in the literature in individuals affected with SATB2-related conditions. ClinVar contains an entry for this variant (Variation ID: 2007588). Invitae Evidence Modeling of protein sequence and biophysical properties (such as structural, functional, and spatial information, amino acid conservation, physicochemical variation, residue mobility, and thermodynamic stability) indicates that this missense variant is not expected to disrupt SATB2 protein function with a negative predictive value of 80%. In summary, the available evidence is currently insufficient to determine the role of this variant in disease. Therefore, it has been classified as a Variant of Uncertain Significance.

GeneDx
Classification: Uncertain significance. Last evaluated: 2022-11-14. Review status: criteria provided, single submitter. Criteria: GeneDx Variant Classification Process June 2021. Collection method: clinical testing. Allele origin: germline. Affected: yes.
Comment: Not observed at significant frequency in large population cohorts (gnomAD); In silico analysis supports that this missense variant does not alter protein structure/function; Has not been previously published as pathogenic or benign to our knowledge

NM_001172509.2(SATB2):c.2119T>C (p.Ser707Pro)

Genes: SATB2 (SATB homeobox 2; minus strand), LOC126806462 (MED14-independent group 3 enhancer GRCh37_chr2:200136608-200137807; plus strand). Cytogenetic location: 2q33.1.
Variant type: single nucleotide variant.
Coding change: c.2119T>C on transcript NM_001172509.2 (MANE Select); coding-DNA position 2119, T replaced by C.
Protein change: p.Ser707Pro; replaces serine 707 with proline.
Molecular consequence: missense variant.
Genome position (GRCh38, 1-based): chr2:199,272,294, A>G on the plus strand (T>C on the coding strand, the complement: SATB2 is on the minus strand). VCF-style: chr2-199272294-A-G. GRCh37 (hg19) VCF-style: chr2-200137017-A-G.
Other names: c.2119T>C, p.Ser707Pro (NM_001172517.1, NM_015265.4); c.2119T>C (NM_015265.3); short protein forms S707P.
Identifiers: ClinVar variation 2007588 (VCV002007588.5), dbSNP rs2468782879, ClinGen allele CA350385119.